The following is an entry in ClinVar:

NM_024334.3(TMEM43):c.698A>G (p.Tyr233Cys)

Gene: TMEM43 (transmembrane protein 43; plus strand). Cytogenetic location: 3p25.1.
Variant type: single nucleotide variant.
Coding change: c.698A>G on transcript NM_024334.3 (MANE Select); coding-DNA position 698, A replaced by G.
Protein change: p.Tyr233Cys; replaces tyrosine 233 with cysteine.
Molecular consequence: missense variant.
Genome position (GRCh38, 1-based): chr3:14,134,884, A>G. VCF-style: chr3-14134884-A-G. GRCh37 (hg19) VCF-style: chr3-14176384-A-G.
Other names: short protein forms Y233C.
Identifiers: ClinVar variation 177840 (VCV000177840.46), dbSNP rs35924492, ClinGen allele CA024742.

ClinVar aggregate classification (germline): Benign/Likely benign. Review status: criteria provided, multiple submitters, no conflicts (2 of 4 stars). 18 submissions from 18 submitters: Benign (13); Likely benign (1). 4 of the submissions do not count toward it. Last evaluated 2026-02-03.

Conditions:
Cardiomyopathy (CMYO). Also called: Cardiomyopathies. Identifiers: Orphanet 167848, MedGen C0878544, MONDO:0004994, HP:0001638. Inheritance: Various modes of inheritance.
Sudden cardiac arrest. Identifiers: MedGen C1720824, MONDO:0100511, MONDO:0007264.
Emery-Dreifuss muscular dystrophy 7, autosomal dominant (EDMD7). Also called: Emery-Dreifuss muscular dystrophy 7, AD. Identifiers: Orphanet 261, MedGen C3553060, MONDO:0013677, OMIM 614302.
Arrhythmogenic right ventricular dysplasia 5. Also called: Arrhythmogenic Right Ventricular Dysplasia/Cardiomyopathy 5; ARRHYTHMOGENIC RIGHT VENTRICULAR DYSPLASIA, FAMILIAL, 5. Identifiers: MedGen C1858379, MONDO:0011459, OMIM 604400.
Auditory neuropathy, autosomal dominant 3 (AUNA3). Identifiers: MedGen C5676964, MONDO:0859235, OMIM 619832.
Cardiovascular phenotype. Identifiers: MedGen CN230736.

Allele frequency attached by ClinVar (database versions not stated): gnomAD exomes 0.00058 and 0.00155; ExAC 0.00204; 1000 Genomes Project 0.00519; 1000 Genomes Project 30x 0.00531; gnomAD 0.00606 and 0.00660; TOPMed 0.00694; ESP Exome Variant Server 0.00853.
gnomAD v4.1: 1,790 of 1,614,180 alleles (0.11%); highest among the groups gnomAD compares: African/African-American, 2.1%; 20 homozygotes.

Submissions (18):

Labcorp Genetics (formerly Invitae), Labcorp
Classification: Benign for Arrhythmogenic right ventricular dysplasia 5. Last evaluated: 2026-02-03. Review status: criteria provided, single submitter. Criteria: Invitae Variant Classification Sherloc (09022015). Collection method: clinical testing. Allele origin: germline.

ARUP Laboratories, Molecular Genetics and Genomics, ARUP Laboratories
Classification: Benign. Last evaluated: 2025-04-08. Review status: criteria provided, single submitter. Criteria: ARUP Molecular Germline Variant Investigation Process 2024. Collection method: clinical testing. Allele origin: germline.

Blueprint Genetics
Classification: Likely benign. Last evaluated: 2024-11-22. Review status: criteria provided, single submitter. Criteria: ACMG Guidelines, 2015. Collection method: clinical testing. Allele origin: germline.

Mayo Clinic Laboratories, Mayo Clinic
Classification: Benign. Last evaluated: 2023-10-30. Review status: criteria provided, single submitter. Criteria: ACMG Guidelines, 2015. Collection method: clinical testing. Allele origin: germline. Observed: 10 variant alleles.
Comment: BS1, BS2

Fulgent Genetics
Classification: Benign for Arrhythmogenic right ventricular dysplasia 5; Emery-Dreifuss muscular dystrophy 7, autosomal dominant; Auditory neuropathy, autosomal dominant 3. Last evaluated: 2021-07-30. Review status: criteria provided, single submitter. Criteria: ACMG Guidelines, 2015. Collection method: clinical testing. Allele origin: unknown.

Center for Advanced Laboratory Medicine, UC San Diego Health, University of California San Diego
Classification: Benign for Sudden cardiac arrest. Last evaluated: 2019-03-15. Review status: criteria provided, single submitter. Criteria: ACMG Guidelines, 2015. Collection method: clinical testing. Allele origin: germline. Affected: yes. Observed: 1 variant allele.

Color Diagnostics, LLC DBA Color Health
Classification: Benign for Cardiomyopathy. Last evaluated: 2018-03-19. Review status: criteria provided, single submitter. Criteria: ACMG Guidelines, 2015. Collection method: clinical testing. Allele origin: germline.

CHEO Genetics Diagnostic Laboratory, Children's Hospital of Eastern Ontario
Classification: Benign for Cardiomyopathy. Last evaluated: 2016-10-26. Review status: criteria provided, single submitter. Criteria: ACMG Guidelines, 2015. Collection method: clinical testing. Allele origin: germline. Study: Canadian Open Genetics Repository.

Ambry Genetics
Classification: Benign for Cardiovascular phenotype. Last evaluated: 2015-10-20. Review status: criteria provided, single submitter. Criteria: Ambry Variant Classification Scheme 2023. Collection method: clinical testing. Allele origin: germline.

GeneDx
Classification: Benign. Last evaluated: 2015-03-03. Review status: criteria provided, single submitter. Criteria: GeneDx Variant Classification Process June 2021. Collection method: clinical testing. Allele origin: germline. Affected: yes.

Laboratory for Molecular Medicine, Mass General Brigham Personalized Medicine
Classification: Benign. Last evaluated: 2013-08-11. Review status: criteria provided, single submitter. Criteria: LMM Criteria. Collection method: clinical testing. Allele origin: germline. Observed: 7 variant alleles.
Comment: Tyr233Cys in exon 8 of TMEM43: This variant is not expected to have clinical sig nificance because it has been identified in 2.5% (111/4406) of African American chromosomes from by the NHLBI Exome Sequencing Project (.edu/EVS/rs35924492).

Biesecker Lab/Clinical Genomics Section, National Institutes of Health
Classification: Benign. Last evaluated: 2013-06-24. Review status: criteria provided, single submitter. Criteria: Ng et al. (Circ Cardiovasc Genet. 2013). Collection method: research. Allele origin: unknown. Observed: 2 variant alleles. Study: ClinSeq.
Comment: The study set was not selected for affection status in relation to any cancer. Pathogenicity categories were based on literature curation. See Pubmed ID:23861362 for details.

Medical sequencing

Breakthrough Genomics
Classification: Benign. Review status: criteria provided, single submitter. Criteria: ACMG Guidelines, 2015. Collection method: not provided. Allele origin: germline. Inheritance: Autosomal dominant inheritance. Affected: yes.

Molecular Diagnostic Laboratory for Inherited Cardiovascular Disease, Montreal Heart Institute
Classification: Benign. Review status: criteria provided, single submitter. Criteria: ACMG Guidelines, 2015. Collection method: clinical testing. Allele origin: germline. Affected: yes.

Cohesion Phenomics
Classification: Benign for Cardiomyopathy. Last evaluated: 2022-09-23. Review status: no assertion criteria provided. Criteria: ACMG Guidelines, 2015. Collection method: clinical testing. Allele origin: germline. Affected: yes. Not counted in ClinVar's aggregate classification.

Clinical Genetics DNA and cytogenetics Diagnostics Lab, Erasmus MC, Erasmus Medical Center
Classification: Benign. Review status: no assertion criteria provided. Collection method: clinical testing. Allele origin: germline. Affected: yes. Study: VKGL Data-share Consensus. Not counted in ClinVar's aggregate classification.

Clinical Genetics, Academic Medical Center
Classification: Benign. Review status: no assertion criteria provided. Collection method: clinical testing. Allele origin: germline. Affected: yes. Study: VKGL Data-share Consensus. Not counted in ClinVar's aggregate classification.

Joint Genome Diagnostic Labs from Nijmegen and Maastricht, Radboudumc and MUMC+
Classification: Likely benign. Review status: no assertion criteria provided. Collection method: clinical testing. Allele origin: germline. Affected: yes. Study: VKGL Data-share Consensus. Not counted in ClinVar's aggregate classification.